The following is an entry in ClinVar:

ClinVar aggregate classification (germline): Uncertain significance. Review status: criteria provided, multiple submitters, no conflicts (2 of 4 stars). 2 submissions from 2 submitters: Uncertain significance (2). Last evaluated 2024-01-17.

Conditions:
Nephronophthisis 16 (NPHP16). Identifiers: Orphanet 655, MedGen C3809320, MONDO:0014158, OMIM 615382.
Inborn genetic diseases. Identifiers: MedGen C0950123, MeSH D030342.

Allele frequency attached by ClinVar (database versions not stated): gnomAD exomes 0.00002; ExAC 0.00010; ESP Exome Variant Server 0.00016; 1000 Genomes Project 0.00020; gnomAD 0.00027; 1000 Genomes Project 30x 0.00031; TOPMed 0.00035.
gnomAD v4.1: 70 of 1,544,522 alleles (0.0045%); highest among the groups gnomAD compares: African/African-American, 0.093%; no homozygotes.

Submissions (2):

Ambry Genetics
Classification: Uncertain significance for Inborn genetic diseases. Last evaluated: 2024-01-17. Review status: criteria provided, single submitter. Criteria: Ambry Variant Classification Scheme 2023. Collection method: clinical testing. Allele origin: germline.

Labcorp Genetics (formerly Invitae), Labcorp
Classification: Uncertain significance for Nephronophthisis 16. Last evaluated: 2021-12-23. Review status: criteria provided, single submitter. Criteria: Invitae Variant Classification Sherloc (09022015). Collection method: clinical testing. Allele origin: germline.
Comment: This sequence change replaces threonine, which is neutral and polar, with isoleucine, which is neutral and non-polar, at codon 607 of the ANKS6 protein (p.Thr607Ile). This variant is present in population databases (rs370090668, gnomAD 0.1%). This variant has not been reported in the literature in individuals affected with ANKS6-related conditions. Algorithms developed to predict the effect of missense changes on protein structure and function output the following: SIFT: "Tolerated"; PolyPhen-2: "Benign"; Align-GVGD: "Class C0". The isoleucine amino acid residue is found in multiple mammalian species, which suggests that this missense change does not adversely affect protein function. In summary, the available evidence is currently insufficient to determine the role of this variant in disease. Therefore, it has been classified as a Variant of Uncertain Significance.

NM_173551.5(ANKS6):c.1820C>T (p.Thr607Ile)

Gene: ANKS6 (ankyrin repeat and sterile alpha motif domain containing 6; minus strand). Cytogenetic location: 9q22.33.
Variant type: single nucleotide variant.
Coding change: c.1820C>T on transcript NM_173551.5 (MANE Select); coding-DNA position 1820, C replaced by T.
Protein change: p.Thr607Ile; replaces threonine 607 with isoleucine.
Molecular consequence: missense variant.
Genome position (GRCh38, 1-based): chr9:98,773,878, G>A on the plus strand (C>T on the coding strand, the complement: ANKS6 is on the minus strand). VCF-style: chr9-98773878-G-A. GRCh37 (hg19) VCF-style: chr9-101536160-G-A.
Other names: c.1820C>T (NM_173551.3); short protein forms T607I.
Identifiers: ClinVar variation 2053176 (VCV002053176.2), dbSNP rs370090668, ClinGen allele CA5153356.